The following is an entry in ClinVar:

ClinVar aggregate classification (germline): Pathogenic/Likely pathogenic. Review status: criteria provided, multiple submitters, no conflicts (2 of 4 stars). 8 submissions from 8 submitters: Pathogenic (6); Likely pathogenic (1). 1 of the submissions does not count toward it. Last evaluated 2025-04-08.

Conditions:
Breast-ovarian cancer, familial, susceptibility to, 1 (BROVCA1). Also called: BRCA1 Hereditary Breast and Ovarian Cancer; OVARIAN CANCER, SUSCEPTIBILITY TO. Identifiers: Orphanet 145, MedGen C2676676, MONDO:0011450, OMIM 604370. Disease mechanism: loss of function.
Familial cancer of breast. Also called: BREAST CANCER, FAMILIAL; hereditary breast carcinoma; Hereditary breast cancer. Identifiers: Orphanet 227535, MedGen C0346153, MONDO:0016419, OMIM 114480. Disease mechanism: loss of function.
Hereditary cancer-predisposing syndrome. Also called: Hereditary Cancer Syndrome; Neoplastic Syndromes, Hereditary; Hereditary neoplastic syndrome; Tumor predisposition. Identifiers: Orphanet 140162, MedGen C0027672, MeSH D009386, MONDO:0015356.

Submissions (8):

Molecular Pathology, Peter Maccallum Cancer Centre
Classification: Pathogenic for Familial cancer of breast. Last evaluated: 2025-04-08. Review status: criteria provided, single submitter. Criteria: ACMG Guidelines, 2015. Collection method: clinical testing. Allele origin: germline. Inheritance: Autosomal dominant inheritance.

Labcorp Genetics (formerly Invitae), Labcorp
Classification: Pathogenic for Familial cancer of breast. Last evaluated: 2025-03-09. Review status: criteria provided, single submitter. Criteria: Invitae Variant Classification Sherloc (09022015). Collection method: clinical testing. Allele origin: germline.
Comment: This sequence change creates a premature translational stop signal (p.Ser201Lysfs*3) in the PALB2 gene. It is expected to result in an absent or disrupted protein product. Loss-of-function variants in PALB2 are known to be pathogenic (PMID: 17200668, 17200671, 17200672, 24136930, 25099575). This variant is not present in population databases (gnomAD no frequency). This variant has not been reported in the literature in individuals affected with PALB2-related conditions. ClinVar contains an entry for this variant (Variation ID: 279860). For these reasons, this variant has been classified as Pathogenic.

Institute of Human Genetics, University of Leipzig Medical Center
Classification: Likely pathogenic for Breast-ovarian cancer, familial, susceptibility to, 1. Last evaluated: 2024-06-13. Review status: criteria provided, single submitter. Criteria: ACMG Guidelines, 2015. Collection method: clinical testing. Allele origin: unknown. Inheritance: Autosomal dominant inheritance. Affected: yes.
Comment: Criteria applied: PVS1,PM2_SUP,PM5_SUP

Ambry Genetics
Classification: Pathogenic for Hereditary cancer-predisposing syndrome. Last evaluated: 2023-10-24. Review status: criteria provided, single submitter. Criteria: Ambry Variant Classification Scheme 2023. Collection method: clinical testing. Allele origin: germline.
Comment: The c.601dupA pathogenic mutation, located in coding exon 4 of the PALB2 gene, results from a duplication of A at nucleotide position 601, causing a translational frameshift with a predicted alternate stop codon. This variant is considered to be rare based on population cohorts in the Genome Aggregation Database (gnomAD). This alteration is expected to result in loss of function by premature protein truncation or nonsense-mediated mRNA decay. As such, this alteration is interpreted as a disease-causing mutation.

Color Diagnostics, LLC DBA Color Health
Classification: Pathogenic for Hereditary cancer-predisposing syndrome. Last evaluated: 2023-08-29. Review status: criteria provided, single submitter. Criteria: ACMG Guidelines, 2015. Collection method: clinical testing. Allele origin: germline.
Comment: This variant inserts 1 nucleotide in exon 4 of the PALB2 gene, creating a frameshift and premature translation stop signal. This variant is expected to result in an absent or non-functional protein product. To our knowledge, functional studies have not been performed for this variant. This variant has not been reported in individuals affected with hereditary cancer in the literature. This variant has not been identified in the general population by the Genome Aggregation Database (gnomAD). Loss of PALB2 function is a known mechanism of disease. Based on the available evidence, this variant is classified as Pathogenic.

GeneDx
Classification: Pathogenic. Last evaluated: 2023-04-18. Review status: criteria provided, single submitter. Criteria: GeneDx Variant Classification Process June 2021. Collection method: clinical testing. Allele origin: germline. Affected: yes.
Comment: Frameshift variant predicted to result in protein truncation or nonsense mediated decay in a gene for which loss of function is a known mechanism of disease; Not observed at significant frequency in large population cohorts (gnomAD); This variant is associated with the following publications: (PMID: 31841383)

Myriad Genetics, Inc.
Classification: Pathogenic for Familial cancer of breast. Last evaluated: 2023-03-30. Review status: criteria provided, single submitter. Criteria: Myriad Autosomal Dominant, Autosomal Recessive and X-Linked Classification Criteria (2023). Collection method: clinical testing. Allele origin: unknown.
Comment: This variant is considered pathogenic. This variant creates a frameshift predicted to result in premature protein truncation.

Counsyl
Classification: Likely pathogenic for Familial cancer of breast. Last evaluated: 2016-12-02. Review status: no assertion criteria provided. Collection method: clinical testing. Allele origin: unknown. Not counted in ClinVar's aggregate classification.

Literature cited by the submitters: PubMed 17200668 (cited by Labcorp Genetics (formerly Invitae), Labcorp); PubMed 17200671 (cited by Labcorp Genetics (formerly Invitae), Labcorp); PubMed 17200672 (cited by Labcorp Genetics (formerly Invitae), Labcorp); PubMed 24136930 (cited by Labcorp Genetics (formerly Invitae), Labcorp); PubMed 25099575 (cited by Labcorp Genetics (formerly Invitae), Labcorp).

NM_024675.4(PALB2):c.601dup (p.Ser201fs)

Gene: PALB2 (partner and localizer of BRCA2; minus strand). Cytogenetic location: 16p12.2.
Variant type: Duplication.
Coding change: c.601dup on transcript NM_024675.4 (MANE Select); coding-DNA position 601, one base duplicated (A; older notation c.601dupA).
Protein change: p.Ser201fs; shifts the reading frame from serine 201.
Molecular consequence: frameshift variant.
Genome position (GRCh38, 1-based): chr16:23,635,945, T duplicated on the plus strand (A on the coding strand, the reverse complement: PALB2 is on the minus strand); the first of 2 consecutive T bases (chr16:23,635,945-23,635,946); duplicating either gives the same sequence. VCF-style (leftmost placement, unchanged base first): chr16-23635944-C-CT. GRCh37 (hg19) VCF-style: chr16-23647265-C-CT.
Other names: c.601dupA (NM_024675.3); short protein forms S201fs.
Identifiers: ClinVar variation 279860 (VCV000279860.23), dbSNP rs886041220, ClinGen allele CA10603259.
Genomic context (GRCh38, chr16:23,635,944, plus strand): 5'-ACACTGTCTTCATTAATTTCTGTAACTGGTTCTGGAGAATCTGGAAGTTCAGATTTAAGA[C>CT]TTAAAAGGTGAGTTCTTATTTCAGTTACTGGTGATCTAGCAGGATTTTTGCTACTGATTT-3'